The following is an entry in ClinVar:

NM_000465.4(BARD1):c.613A>C (p.Lys205Gln)

Gene: BARD1 (BRCA1 associated RING domain 1; minus strand). Cytogenetic location: 2q35.
Variant type: single nucleotide variant.
Coding change: c.613A>C on transcript NM_000465.4 (MANE Select); coding-DNA position 613, A replaced by C.
Protein change: p.Lys205Gln; replaces lysine 205 with glutamine.
Molecular consequence: missense variant. On other transcripts: non-coding transcript variant (2), intron variant (3).
Genome position (GRCh38, 1-based): chr2:214,781,261, T>G on the plus strand (A>C on the coding strand, the complement: BARD1 is on the minus strand). VCF-style: chr2-214781261-T-G. GRCh37 (hg19) VCF-style: chr2-215645985-T-G.
Other names: c.556A>C, p.Lys186Gln (NM_001282543.2); c.158+28151A>C (NM_001282548.2); c.215+15800A>C (NM_001282545.2); c.364+11036A>C (NM_001282549.2); c.613A>C (NM_000465.2); short protein forms K186Q, K205Q.
Identifiers: ClinVar variation 1051607 (VCV001051607.11), dbSNP rs1329441113, ClinGen allele CA350456706.

ClinVar aggregate classification (germline): Uncertain significance. Review status: criteria provided, multiple submitters, no conflicts (2 of 4 stars). 2 submissions from 2 submitters: Uncertain significance (2). Last evaluated 2024-01-11.

Conditions:
Hereditary cancer-predisposing syndrome. Also called: Tumor predisposition; Hereditary neoplastic syndrome; Hereditary Cancer Syndrome; Neoplastic Syndromes, Hereditary. Identifiers: Orphanet 140162, MedGen C0027672, MeSH D009386, MONDO:0015356.
Familial cancer of breast. Also called: BREAST CANCER, FAMILIAL; Hereditary breast cancer; hereditary breast carcinoma. Identifiers: Orphanet 227535, MedGen C0346153, MONDO:0016419, OMIM 114480. Disease mechanism: loss of function.

Allele frequency attached by ClinVar (database versions not stated): gnomAD exomes below 0.00001.
gnomAD v4.1: 4 of 1,594,974 alleles (0.00025%); highest among the groups gnomAD compares: Non-Finnish European, 0.00034%; no homozygotes.

Submissions (2):

Labcorp Genetics (formerly Invitae), Labcorp
Classification: Uncertain significance for Familial cancer of breast. Last evaluated: 2024-01-11. Review status: criteria provided, single submitter. Criteria: Invitae Variant Classification Sherloc (09022015). Collection method: clinical testing. Allele origin: germline.
Comment: This sequence change replaces lysine, which is basic and polar, with glutamine, which is neutral and polar, at codon 205 of the BARD1 protein (p.Lys205Gln). This variant is not present in population databases (gnomAD no frequency). This variant has not been reported in the literature in individuals affected with BARD1-related conditions. ClinVar contains an entry for this variant (Variation ID: 1051607). An algorithm developed to predict the effect of missense changes on protein structure and function (PolyPhen-2) suggests that this variant is likely to be disruptive. In summary, the available evidence is currently insufficient to determine the role of this variant in disease. Therefore, it has been classified as a Variant of Uncertain Significance.

Ambry Genetics
Classification: Uncertain significance for Hereditary cancer-predisposing syndrome. Last evaluated: 2023-10-22. Review status: criteria provided, single submitter. Criteria: Ambry Variant Classification Scheme 2023. Collection method: clinical testing. Allele origin: germline.
Comment: The p.K205Q variant (also known as c.613A>C), located in coding exon 4 of the BARD1 gene, results from an A to C substitution at nucleotide position 613. The lysine at codon 205 is replaced by glutamine, an amino acid with similar properties. This amino acid position is conserved. In addition, this alteration is predicted to be tolerated by in silico analysis. Since supporting evidence is limited at this time, the clinical significance of this alteration remains unclear.